The following is an entry in ClinVar:

ClinVar aggregate classification (germline): Conflicting classifications of pathogenicity. Review status: criteria provided, conflicting classifications (1 of 4 stars). 4 submissions from 4 submitters: Uncertain significance (1); Likely benign (3). Last evaluated 2025-11-03.

Conditions:
Cerebral arteriopathy, autosomal dominant, with subcortical infarcts and leukoencephalopathy, type 1 (CADASIL1). Also called: CADASIL 1; DEMENTIA, HEREDITARY MULTIINFARCT TYPE; CASIL; Cerebral arteriopathy with subcortical infarcts and leukoencephalopathy 1. Identifiers: Orphanet 136, MedGen C4551768, MONDO:0000914, OMIM 125310.

Allele frequency attached by ClinVar (database versions not stated): gnomAD 0.00001; TOPMed 0.00001; gnomAD exomes 0.00002 and 0.00004.
gnomAD v4.1: 35 of 1,542,222 alleles (0.0023%); highest among the groups gnomAD compares: Admixed American, 0.016%; no homozygotes.

Submissions (4):

Labcorp Genetics (formerly Invitae), Labcorp
Classification: Likely benign. Last evaluated: 2025-11-03. Review status: criteria provided, single submitter. Criteria: Invitae Variant Classification Sherloc (09022015). Collection method: clinical testing. Allele origin: germline.

CeGaT Center for Human Genetics Tuebingen
Classification: Likely benign. Last evaluated: 2025-06-01. Review status: criteria provided, single submitter. Criteria: CeGaT Center For Human Genetics Tuebingen Variant Classification Criteria Version 2. Collection method: clinical testing. Allele origin: germline. Affected: yes. Observed: 1 variant allele.
Comment: NOTCH3: BP4, BP7

Blueprint Genetics
Classification: Likely benign. Last evaluated: 2022-04-25. Review status: criteria provided, single submitter. Criteria: ACMG Guidelines, 2015. Collection method: clinical testing. Allele origin: germline.

Illumina Laboratory Services, Illumina
Classification: Uncertain significance for Cerebral arteriopathy, autosomal dominant, with subcortical infarcts and leukoencephalopathy, type 1. Last evaluated: 2018-01-12. Review status: criteria provided, single submitter. Criteria: ICSL Variant Classification Criteria 13 December 2019. Collection method: clinical testing. Allele origin: germline.

NM_000435.3(NOTCH3):c.6429A>G (p.Pro2143=)

Gene: NOTCH3 (notch receptor 3; minus strand). Cytogenetic location: 19p13.12.
Variant type: single nucleotide variant.
Coding change: c.6429A>G on transcript NM_000435.3 (MANE Select); coding-DNA position 6429, A replaced by G.
Protein change: p.Pro2143=; no amino-acid change (proline 2143 retained).
Molecular consequence: synonymous variant.
Genome position (GRCh38, 1-based): chr19:15,161,199, T>C on the plus strand (A>G on the coding strand, the complement: NOTCH3 is on the minus strand). VCF-style: chr19-15161199-T-C. GRCh37 (hg19) VCF-style: chr19-15272010-T-C.
Identifiers: ClinVar variation 890162 (VCV000890162.22), dbSNP rs890365920, ClinGen allele CA305758233.